The following is an entry in ClinVar:

ClinVar aggregate classification (germline): Uncertain significance. Review status: criteria provided, multiple submitters, no conflicts (2 of 4 stars). 2 submissions from 2 submitters: Uncertain significance (2). Last evaluated 2025-03-25.

Conditions:
MYO6-related disorder. Also called: MYO6-related condition; MYO6-related disorders.

Allele frequency attached by ClinVar (database versions not stated): ESP Exome Variant Server 0.00008; ExAC 0.00002; gnomAD exomes 0.00004.

Submissions (2):

PreventionGenetics, part of Exact Sciences
Classification: Uncertain significance for MYO6-related condition. Last evaluated: 2025-03-25. Review status: criteria provided, single submitter. Criteria: ACMG Guidelines, 2015. Collection method: clinical testing. Allele origin: germline.
Comment: The MYO6 c.596G>A variant is predicted to result in the amino acid substitution p.Arg199His. To our knowledge, this variant has not been reported in the literature. This variant is reported in 0.0062% of alleles in individuals of African descent in gnomAD. At this time, the clinical significance of this variant is uncertain due to the absence of conclusive functional and genetic evidence.

Labcorp Genetics (formerly Invitae), Labcorp
Classification: Uncertain significance. Last evaluated: 2024-01-07. Review status: criteria provided, single submitter. Criteria: Invitae Variant Classification Sherloc (09022015). Collection method: clinical testing. Allele origin: germline.
Comment: This sequence change replaces arginine, which is basic and polar, with histidine, which is basic and polar, at codon 199 of the MYO6 protein (p.Arg199His). This variant is present in population databases (rs140235734, gnomAD 0.007%). This variant has not been reported in the literature in individuals affected with MYO6-related conditions. ClinVar contains an entry for this variant (Variation ID: 1499107). Advanced modeling of protein sequence and biophysical properties (such as structural, functional, and spatial information, amino acid conservation, physicochemical variation, residue mobility, and thermodynamic stability) performed at Invitae indicates that this missense variant is expected to disrupt MYO6 protein function with a positive predictive value of 80%. In summary, the available evidence is currently insufficient to determine the role of this variant in disease. Therefore, it has been classified as a Variant of Uncertain Significance.

NM_004999.4(MYO6):c.596G>A (p.Arg199His)

Gene: MYO6 (myosin VI; plus strand). Cytogenetic location: 6q14.1.
Variant type: single nucleotide variant.
Coding change: c.596G>A on transcript NM_004999.4 (MANE Select); coding-DNA position 596, G replaced by A.
Protein change: p.Arg199His; replaces arginine 199 with histidine.
Molecular consequence: missense variant. On other transcripts: non-coding transcript variant (2).
Genome position (GRCh38, 1-based): chr6:75,840,627, G>A. VCF-style: chr6-75840627-G-A. GRCh37 (hg19) VCF-style: chr6-76550344-G-A.
Other names: c.596G>A, p.Arg199His (NM_001300899.2, NM_001368136.1, NM_001368137.1 and 4 more transcripts); c.581G>A, p.Arg194His (NM_001368138.1); c.596G>A (NM_004999.3); short protein forms R199H, R194H.
Identifiers: ClinVar variation 1499107 (VCV001499107.7), dbSNP rs140235734, ClinGen allele CA3896908.